The following is an entry in ClinVar:

ClinVar aggregate classification (germline): Uncertain significance (1 of 4 stars; one submission).

Submission:

Women's Health and Genetics/Laboratory Corporation of America, LabCorp
Classification: Uncertain significance. Last evaluated: 2025-11-26. Review status: criteria provided, single submitter. Criteria: LabCorp Variant Classification Summary - May 2015. Collection method: clinical testing. Allele origin: germline.
Comment: Variant summary: AEBP1 c.1100C>T (p.Pro367Leu) results in a non-conservative amino acid change in the encoded protein sequence. Algorithms developed to predict the effect of missense changes on protein structure and function are either unavailable or do not agree on the potential impact of this missense change. The variant was absent in 245676 control chromosomes. The available data on variant occurrences in the general population are insufficient to allow any conclusion about variant significance. To our knowledge, no occurrence of c.1100C>T in individuals affected with AEBP1-related conditions and no experimental evidence demonstrating its impact on protein function have been reported. No submitters have cited clinical-significance assessments for this variant to ClinVar. Based on the evidence outlined above, the variant was classified as uncertain significance.

NM_001129.5(AEBP1):c.1100C>T (p.Pro367Leu)

Gene: AEBP1 (AE binding protein 1; plus strand). Cytogenetic location: 7p13.
Variant type: single nucleotide variant.
Coding change: c.1100C>T on transcript NM_001129.5 (MANE Select); coding-DNA position 1100, C replaced by T.
Protein change: p.Pro367Leu; replaces proline 367 with leucine.
Molecular consequence: missense variant.
Genome position (GRCh38, 1-based): chr7:44,109,291, C>T. VCF-style: chr7-44109291-C-T. GRCh37 (hg19) VCF-style: chr7-44148890-C-T.
Other names: short protein forms P367L.
Identifiers: ClinVar variation 4537064 (VCV004537064.1).